The following is an entry in ClinVar:

ClinVar aggregate classification (germline): Uncertain significance (1 of 4 stars; one submission).

Conditions:
Inborn genetic diseases. Identifiers: MedGen C0950123, MeSH D030342.

Allele frequency attached by ClinVar (database versions not stated): TOPMed below 0.00001; gnomAD 0.00001.
gnomAD v4.1: 1 of 1,612,328 alleles (0.000062%); highest among the groups gnomAD compares: African/African-American, 0.0013%; no homozygotes.

Submission:

Ambry Genetics
Classification: Uncertain significance for Inborn genetic diseases. Last evaluated: 2024-02-24. Review status: criteria provided, single submitter. Criteria: Ambry Variant Classification Scheme 2023. Collection method: clinical testing. Allele origin: germline.
Comment: The p.K1933Q variant (also known as c.5797A>C), located in coding exon 34 of the ATR gene, results from an A to C substitution at nucleotide position 5797. The lysine at codon 1933 is replaced by glutamine, an amino acid with similar properties. This amino acid position is conserved. In addition, the in silico prediction for this alteration is inconclusive. Based on the available evidence, the clinical significance of this alteration remains unclear.

NM_001184.4(ATR):c.5797A>C (p.Lys1933Gln)

Gene: ATR (ATR checkpoint kinase; minus strand). Cytogenetic location: 3q23.
Variant type: single nucleotide variant.
Coding change: c.5797A>C on transcript NM_001184.4 (MANE Select); coding-DNA position 5797, A replaced by C.
Protein change: p.Lys1933Gln; replaces lysine 1933 with glutamine.
Molecular consequence: missense variant.
Genome position (GRCh38, 1-based): chr3:142,496,462, T>G on the plus strand (A>C on the coding strand, the complement: ATR is on the minus strand). VCF-style: chr3-142496462-T-G. GRCh37 (hg19) VCF-style: chr3-142215304-T-G.
Other names: c.5605A>C, p.Lys1869Gln (NM_001354579.2); short protein forms K1869Q, K1933Q.
Identifiers: ClinVar variation 3221226 (VCV003221226.1), dbSNP rs2031651632, ClinGen allele CA354813720.